The following is an entry in ClinVar:

NM_000234.3(LIG1):c.1424-2A>G

Gene: LIG1 (DNA ligase 1; minus strand). Cytogenetic location: 19q13.33.
Variant type: single nucleotide variant.
Coding change: c.1424-2A>G on transcript NM_000234.3 (MANE Select); the canonical splice acceptor site of the intron before coding-DNA position 1424, A replaced by G.
Molecular consequence: splice acceptor variant.
Genome position (GRCh38, 1-based): chr19:48,135,781, T>C on the plus strand (A>G on the coding strand, the complement: LIG1 is on the minus strand). VCF-style: chr19-48135781-T-C. GRCh37 (hg19) VCF-style: chr19-48639038-T-C.
Other names: c.1331-2A>G (NM_001289063.2); c.1334-2A>G (NM_001320971.2); c.1220-2A>G (NM_001289064.2); c.1421-2A>G (NM_001320970.2).
Identifiers: ClinVar variation 2068576 (VCV002068576.4), dbSNP rs1403071738, ClinGen allele CA406648450.

ClinVar aggregate classification (germline): Uncertain significance (1 of 4 stars; one submission).

Allele frequency attached by ClinVar (database versions not stated): gnomAD 0.00001; TOPMed 0.00001.
gnomAD v4.1: 1 of 1,613,142 alleles (0.000062%); highest among the groups gnomAD compares: African/African-American, 0.0013%; no homozygotes.

Submission:

Labcorp Genetics (formerly Invitae), Labcorp
Classification: Uncertain significance. Last evaluated: 2022-08-15. Review status: criteria provided, single submitter. Criteria: Invitae Variant Classification Sherloc (09022015). Collection method: clinical testing. Allele origin: germline.
Comment: This sequence change affects an acceptor splice site in intron 15 of the LIG1 gene. It is expected to disrupt RNA splicing. Variants that disrupt the donor or acceptor splice site typically lead to a loss of protein function (PMID: 16199547), however the current clinical and genetic evidence is not sufficient to establish whether loss-of-function variants in LIG1 cause disease. This variant is not present in population databases (gnomAD no frequency). This variant has not been reported in the literature in individuals affected with LIG1-related conditions. Algorithms developed to predict the effect of sequence changes on RNA splicing suggest that this variant may disrupt the consensus splice site. In summary, the available evidence is currently insufficient to determine the role of this variant in disease. Therefore, it has been classified as a Variant of Uncertain Significance.

Literature cited by the submitters: PubMed 16199547.